The following is an entry in ClinVar:

ClinVar aggregate classification (germline): Conflicting classifications of pathogenicity. Review status: criteria provided, conflicting classifications (1 of 4 stars). 4 submissions from 4 submitters: Uncertain significance (3); Likely benign (1). Last evaluated 2026-01-19.

Conditions:
Nemaline myopathy 2 (NEM2). Also called: Nemaline myopathy 2, autosomal recessive. Identifiers: MedGen C1850569, MONDO:0009725, OMIM 256030.
Inborn genetic diseases. Identifiers: MedGen C0950123, MeSH D030342.

Allele frequency attached by ClinVar (database versions not stated): TOPMed 0.00006; ExAC 0.00002; gnomAD 0.00001.

Submissions (4):

Labcorp Genetics (formerly Invitae), Labcorp
Classification: Likely benign for Nemaline myopathy 2. Last evaluated: 2026-01-19. Review status: criteria provided, single submitter. Criteria: Invitae Variant Classification Sherloc (09022015). Collection method: clinical testing. Allele origin: germline.

Ambry Genetics
Classification: Uncertain significance for Inborn genetic diseases. Last evaluated: 2024-11-07. Review status: criteria provided, single submitter. Criteria: Ambry Variant Classification Scheme 2023. Collection method: clinical testing. Allele origin: germline.

GeneDx
Classification: Uncertain significance. Last evaluated: 2023-05-25. Review status: criteria provided, single submitter. Criteria: GeneDx Variant Classification Process June 2021. Collection method: clinical testing. Allele origin: germline. Affected: yes.
Comment: In silico analysis supports that this missense variant does not alter protein structure/function; Has not been previously published as pathogenic or benign to our knowledge

Revvity Omics, Revvity
Classification: Uncertain significance. Last evaluated: 2021-06-25. Review status: criteria provided, single submitter. Criteria: ACMG Guidelines, 2015. Collection method: clinical testing. Allele origin: germline.

NM_001164508.2(NEB):c.2023A>G (p.Lys675Glu)

Gene: NEB (nebulin; minus strand). Cytogenetic location: 2q23.3.
Variant type: single nucleotide variant.
Coding change: c.2023A>G on transcript NM_001164508.2 (MANE Select); coding-DNA position 2023, A replaced by G.
Protein change: p.Lys675Glu; replaces lysine 675 with glutamic acid.
Molecular consequence: missense variant.
Genome position (GRCh38, 1-based): chr2:151,692,142, T>C on the plus strand (A>G on the coding strand, the complement: NEB is on the minus strand). VCF-style: chr2-151692142-T-C. GRCh37 (hg19) VCF-style: chr2-152548656-T-C.
Other names: c.2023A>G (NM_004543.4, NM_001271208.1); c.2023A>G, p.Lys675Glu (NM_001164507.2, NM_001271208.2, NM_004543.5); short protein forms K675E.
Identifiers: ClinVar variation 1471026 (VCV001471026.12), dbSNP rs767593840, ClinGen allele CA1911359.